The following is an entry in ClinVar:

NM_016284.5(CNOT1):c.5586C>G (p.Leu1862=)

Gene: CNOT1 (CCR4-NOT transcription complex subunit 1; minus strand). Cytogenetic location: 16q21.
Variant type: single nucleotide variant.
Coding change: c.5586C>G on transcript NM_016284.5 (MANE Select); coding-DNA position 5586, C replaced by G.
Protein change: p.Leu1862=; no amino-acid change (leucine 1862 retained).
Molecular consequence: synonymous variant. On other transcripts: non-coding transcript variant (1).
Genome position (GRCh38, 1-based): chr16:58,537,049, G>C on the plus strand (C>G on the coding strand, the complement: CNOT1 is on the minus strand). VCF-style: chr16-58537049-G-C. GRCh37 (hg19) VCF-style: chr16-58570953-G-C.
Other names: c.5571C>G, p.Leu1857= (NM_001265612.2).
Identifiers: ClinVar variation 2646574 (VCV002646574.24), dbSNP rs2543867075, ClinGen allele CA495897481.

ClinVar aggregate classification (germline): Likely benign (1 of 4 stars; one submission).

Allele frequency attached by ClinVar (database versions not stated): gnomAD exomes below 0.00001.
gnomAD v4.1: 1 of 1,614,100 alleles (0.000062%); highest among the groups gnomAD compares: Non-Finnish European, 0.000085%; no homozygotes.

Submission:

CeGaT Center for Human Genetics Tuebingen
Classification: Likely benign. Last evaluated: 2022-04-01. Review status: criteria provided, single submitter. Criteria: CeGaT Center For Human Genetics Tuebingen Variant Classification Criteria Version 2. Collection method: clinical testing. Allele origin: germline. Affected: yes. Observed: 1 variant allele.
Comment: CNOT1: PM2:Supporting, BP4, BP7